The following is an entry in ClinVar:

ClinVar aggregate classification (germline): Conflicting classifications of pathogenicity. Review status: criteria provided, conflicting classifications (1 of 4 stars). 2 submissions from 2 submitters: Uncertain significance (1); Likely benign (1). Last evaluated 2022-02-03.

Conditions:
Severe combined immunodeficiency due to DNA-PKcs deficiency. Also called: IMMUNODEFICIENCY 26 WITH NEUROLOGIC ABNORMALITIES; Immunodeficiency 26 with or without neurologic abnormalities. Identifiers: Orphanet 317425, MedGen C4014833, MONDO:0014423, OMIM 615966.

Allele frequency attached by ClinVar (database versions not stated): gnomAD exomes below 0.00001; TOPMed below 0.00001.
gnomAD v4.1: 3 of 1,549,196 alleles (0.00019%); highest among the groups gnomAD compares: Non-Finnish European, 0.00026%; no homozygotes.

Submissions (2):

Labcorp Genetics (formerly Invitae), Labcorp
Classification: Uncertain significance for Severe combined immunodeficiency due to DNA-PKcs deficiency. Last evaluated: 2022-02-03. Review status: criteria provided, single submitter. Criteria: Invitae Variant Classification Sherloc (09022015). Collection method: clinical testing. Allele origin: germline.
Comment: This variant is not present in population databases (gnomAD no frequency). In summary, the available evidence is currently insufficient to determine the role of this variant in disease. Therefore, it has been classified as a Variant of Uncertain Significance. Experimental studies and prediction algorithms are not available or were not evaluated, and the functional significance of this variant is currently unknown. This variant has not been reported in the literature in individuals affected with PRKDC-related conditions. This sequence change replaces valine, which is neutral and non-polar, with isoleucine, which is neutral and non-polar, at codon 1211 of the PRKDC protein (p.Val1211Ile).

Ambry Genetics
Classification: Likely benign. Last evaluated: 2021-12-02. Review status: criteria provided, single submitter. Criteria: Ambry Variant Classification Scheme 2023. Collection method: clinical testing. Allele origin: germline.

NM_006904.7(PRKDC):c.3631G>A (p.Val1211Ile)

Gene: PRKDC (protein kinase, DNA-activated, catalytic subunit; minus strand). Cytogenetic location: 8q11.21.
Variant type: single nucleotide variant.
Coding change: c.3631G>A on transcript NM_006904.7 (MANE Select); coding-DNA position 3631, G replaced by A.
Protein change: p.Val1211Ile; replaces valine 1211 with isoleucine.
Molecular consequence: missense variant.
Genome position (GRCh38, 1-based): chr8:47,893,355, C>T on the plus strand (G>A on the coding strand, the complement: PRKDC is on the minus strand). VCF-style: chr8-47893355-C-T. GRCh37 (hg19) VCF-style: chr8-48805915-C-T.
Other names: c.3631G>A, p.Val1211Ile (NM_001081640.2); short protein forms V1211I.
Identifiers: ClinVar variation 1434941 (VCV001434941.8), dbSNP rs1438382972, ClinGen allele CA371151146.
Genomic context (GRCh38, chr8:47,893,355, plus strand): 5'-GGCCACAGCCACCCCCCTCAAAGGTGTTGATGAGAAAAGAGACACCTTCTTCCTTGAGAA[C>T]ATCTTTCAGCCACAAATTAGGGGATCTGTTGCCTTTAAAAAGAAACAAAATTAAAATGCA-3'
Protein context (NP_008835.5, residues 1201-1221): NRSPNLWLKD[Val1211Ile]LKEEGVSFLI